The following is an entry in ClinVar:

NM_001365536.1(SCN9A):c.4063G>A (p.Asp1355Asn)

Genes: SCN9A (sodium voltage-gated channel alpha subunit 9; minus strand), SCN1A-AS1 (SCN1A and SCN9A antisense RNA 1; plus strand). Cytogenetic location: 2q24.3.
Variant type: single nucleotide variant.
Coding change: c.4063G>A on transcript NM_001365536.1 (MANE Select); coding-DNA position 4063, G replaced by A.
Protein change: p.Asp1355Asn; replaces aspartic acid 1355 with asparagine.
Molecular consequence: missense variant.
Genome position (GRCh38, 1-based): chr2:166,228,834, C>T on the plus strand (G>A on the coding strand, the complement: SCN9A is on the minus strand). VCF-style: chr2-166228834-C-T. GRCh37 (hg19) VCF-style: chr2-167085344-C-T.
Other names: c.4030G>A, p.Asp1344Asn (NM_002977.4); short protein forms D1344N, D1355N.
Identifiers: ClinVar variation 1014917 (VCV001014917.9), dbSNP rs1458573948, ClinGen allele CA349063849.

ClinVar aggregate classification (germline): Uncertain significance (1 of 4 stars; one submission).

Conditions:
Generalized epilepsy with febrile seizures plus, type 7 (GEFSP7). Also called: GEFS+, TYPE 7. Identifiers: Orphanet 36387, MedGen C2751778, MONDO:0013470, OMIM 613863.
Neuropathy, hereditary sensory and autonomic, type 2A (HSAN2A). Also called: ACROOSTEOLYSIS, GIACCAI TYPE; ACROOSTEOLYSIS, NEUROGENIC; MORVAN DISEASE; NEUROPATHY, CONGENITAL SENSORY; NEUROPATHY, HEREDITARY SENSORY RADICULAR, AUTOSOMAL RECESSIVE; NEUROPATHY, HEREDITARY SENSORY, TYPE IIA. Identifiers: Orphanet 970, MedGen C2752089, MONDO:0024309, OMIM 201300.

Allele frequency attached by ClinVar (database versions not stated): gnomAD exomes below 0.00001.
gnomAD v4.1: 1 of 1,613,966 alleles (0.000062%); highest among the groups gnomAD compares: African/African-American, 0.0013%; no homozygotes.

Submission:

Labcorp Genetics (formerly Invitae), Labcorp
Classification: Uncertain significance for Neuropathy, hereditary sensory and autonomic, type 2A; Generalized epilepsy with febrile seizures plus, type 7. Last evaluated: 2020-10-24. Review status: criteria provided, single submitter. Criteria: Invitae Variant Classification Sherloc (09022015). Collection method: clinical testing. Allele origin: germline.
Comment: This variant has not been reported in the literature in individuals with SCN9A-related conditions. In summary, the available evidence is currently insufficient to determine the role of this variant in disease. Therefore, it has been classified as a Variant of Uncertain Significance. Algorithms developed to predict the effect of missense changes on protein structure and function output the following: SIFT: "Tolerated"; PolyPhen-2: "Benign"; Align-GVGD: "Class C0". The asparagine amino acid residue is found in multiple mammalian species, suggesting that this missense change does not adversely affect protein function. These predictions have not been confirmed by published functional studies and their clinical significance is uncertain. This variant is not present in population databases (ExAC no frequency). This sequence change replaces aspartic acid with asparagine at codon 1344 of the SCN9A protein (p.Asp1344Asn). The aspartic acid residue is moderately conserved and there is a small physicochemical difference between aspartic acid and asparagine.